The following is an entry in ClinVar:

NM_022168.4(IFIH1):c.2159G>T (p.Arg720Leu)

Gene: IFIH1 (interferon induced with helicase C domain 1; minus strand). Cytogenetic location: 2q24.2.
Variant type: single nucleotide variant.
Coding change: c.2159G>T on transcript NM_022168.4 (MANE Select); coding-DNA position 2159, G replaced by T.
Protein change: p.Arg720Leu; replaces arginine 720 with leucine.
Molecular consequence: missense variant.
Genome position (GRCh38, 1-based): chr2:162,276,832, C>A on the plus strand (G>T on the coding strand, the complement: IFIH1 is on the minus strand). VCF-style: chr2-162276832-C-A. GRCh37 (hg19) VCF-style: chr2-163133342-C-A.
Other names: c.2159G>T (NM_022168.3); short protein forms R720L.
Identifiers: ClinVar variation 2948458 (VCV002948458.4), dbSNP rs587777445, ClinGen allele CA348997183.

ClinVar aggregate classification (germline): Uncertain significance. Review status: criteria provided, multiple submitters, no conflicts (2 of 4 stars). 2 submissions from 2 submitters: Uncertain significance (2). Last evaluated 2023-06-29.

Conditions:
Aicardi-Goutieres syndrome 7 (AGS7). Identifiers: Orphanet 51, MedGen C3888244, MONDO:0014367, OMIM 615846.
Singleton-Merten syndrome 1 (SGMRT1). Also called: Widened medullary cavities of bone, aortic calcification, abnormal dentition, and muscular weakness; Syndrome of widened medullary cavities of the metacarpals and phalanges, aortic calcification and abnormal dentition. Identifiers: Orphanet 85191, MedGen C4225427, MONDO:0024535, OMIM 182250.

Submissions (2):

GeneDx
Classification: Uncertain significance. Last evaluated: 2023-06-29. Review status: criteria provided, single submitter. Criteria: GeneDx Variant Classification Process June 2021. Collection method: clinical testing. Allele origin: germline. Affected: yes.
Comment: Not observed at significant frequency in large population cohorts (gnomAD); In silico analysis supports that this missense variant has a deleterious effect on protein structure/function; Has not been previously published as pathogenic or benign to our knowledge; This variant is associated with the following publications: (PMID: 33098801, 24686847)

Labcorp Genetics (formerly Invitae), Labcorp
Classification: Uncertain significance for Aicardi-Goutieres syndrome 7; Singleton-Merten syndrome 1. Last evaluated: 2023-06-03. Review status: criteria provided, single submitter. Criteria: Invitae Variant Classification Sherloc (09022015). Collection method: clinical testing. Allele origin: germline.
Comment: In summary, the available evidence is currently insufficient to determine the role of this variant in disease. Therefore, it has been classified as a Variant of Uncertain Significance. This variant disrupts the p.Arg720 amino acid residue in IFIH1. Other variant(s) that disrupt this residue have been determined to be pathogenic (PMID: 24686847, 30219631). This suggests that this residue is clinically significant, and that variants that disrupt this residue are likely to be disease-causing. Advanced modeling of protein sequence and biophysical properties (such as structural, functional, and spatial information, amino acid conservation, physicochemical variation, residue mobility, and thermodynamic stability) has been performed at Invitae for this missense variant, however the output from this modeling did not meet the statistical confidence thresholds required to predict the impact of this variant on IFIH1 protein function. This variant has not been reported in the literature in individuals affected with IFIH1-related conditions. This variant is not present in population databases (gnomAD no frequency). This sequence change replaces arginine, which is basic and polar, with leucine, which is neutral and non-polar, at codon 720 of the IFIH1 protein (p.Arg720Leu).

Literature cited by the submitters: PubMed 24686847 (cited by Labcorp Genetics (formerly Invitae), Labcorp); PubMed 30219631 (cited by Labcorp Genetics (formerly Invitae), Labcorp).